The following is an entry in ClinVar:

NM_003793.4(CTSF):c.126C>T (p.Pro42=)

Gene: CTSF (cathepsin F; minus strand). Cytogenetic location: 11q13.2.
Variant type: single nucleotide variant.
Coding change: c.126C>T on transcript NM_003793.4 (MANE Select); coding-DNA position 126, C replaced by T.
Protein change: p.Pro42=; no amino-acid change (proline 42 retained).
Molecular consequence: synonymous variant.
Genome position (GRCh38, 1-based): chr11:66,568,361, G>A on the plus strand (C>T on the coding strand, the complement: CTSF is on the minus strand). VCF-style: chr11-66568361-G-A. GRCh37 (hg19) VCF-style: chr11-66335832-G-A.
Identifiers: ClinVar variation 259166 (VCV000259166.24), dbSNP rs1044522, ClinGen allele CA6125709.

ClinVar aggregate classification (germline): Benign. Review status: criteria provided, multiple submitters, no conflicts (2 of 4 stars). 10 submissions from 10 submitters: Benign (8). 2 of the submissions do not count toward it. Last evaluated 2026-02-04.

Conditions:
Neuronal ceroid lipofuscinosis 13 (CLN13). Also called: CEROID LIPOFUSCINOSIS, NEURONAL, 13 (KUFS TYPE); CLN13 Disease. Identifiers: Orphanet 352709, Orphanet 79262, MedGen C3715049, MONDO:0014147, OMIM 615362.
Inborn genetic diseases. Identifiers: MedGen C0950123, MeSH D030342.

Allele frequency attached by ClinVar (database versions not stated): ExAC 0.48936; 1000 Genomes Project 0.20787; 1000 Genomes Project 30x 0.20831; gnomAD exomes 0.22242; gnomAD 0.22541 and 0.22868; TOPMed 0.22892.
gnomAD v4.1: 307,592 of 1,303,162 alleles (24%); highest among the groups gnomAD compares: Middle Eastern, 27%; 36,849 homozygotes.

Submissions (10):

Labcorp Genetics (formerly Invitae), Labcorp
Classification: Benign for Neuronal ceroid lipofuscinosis 13. Last evaluated: 2026-02-04. Review status: criteria provided, single submitter. Criteria: Invitae Variant Classification Sherloc (09022015). Collection method: clinical testing. Allele origin: germline.

Blueprint Genetics
Classification: Benign. Last evaluated: 2024-11-27. Review status: criteria provided, single submitter. Criteria: ACMG Guidelines, 2015. Collection method: clinical testing. Allele origin: germline.

GeneDx
Classification: Benign. Last evaluated: 2018-06-13. Review status: criteria provided, single submitter. Criteria: GeneDx Variant Classification (06012015). Collection method: clinical testing. Allele origin: germline. Affected: yes.
Comment: This variant is considered likely benign or benign based on one or more of the following criteria: it is a conservative change, it occurs at a poorly conserved position in the protein, it is predicted to be benign by multiple in silico algorithms, and/or has population frequency not consistent with disease.

Athena Diagnostics
Classification: Benign. Last evaluated: 2017-04-20. Review status: criteria provided, single submitter. Criteria: Athena Diagnostics Criteria. Collection method: clinical testing. Allele origin: germline.

Ambry Genetics
Classification: Benign for Inborn genetic diseases. Last evaluated: 2016-01-08. Review status: criteria provided, single submitter. Criteria: Ambry Variant Classification Scheme 2023. Collection method: clinical testing. Allele origin: germline.

Clinical Genetics DNA and cytogenetics Diagnostics Lab, Erasmus MC, Erasmus Medical Center
Classification: Benign for Neuronal ceroid lipofuscinosis 13. Last evaluated: 2015-09-21. Review status: criteria provided, single submitter. Criteria: ACGS Guidelines, 2013. Collection method: clinical testing. Allele origin: germline. Affected: yes. Study: VKGL Data-share Consensus.

Breakthrough Genomics
Classification: Benign. Review status: criteria provided, single submitter. Criteria: ACMG Guidelines, 2015. Collection method: not provided. Allele origin: germline. Inheritance: Autosomal recessive inheritance. Affected: yes.

PreventionGenetics, part of Exact Sciences
Classification: Benign. Review status: criteria provided, single submitter. Criteria: ACMG Guidelines, 2015. Collection method: clinical testing. Allele origin: germline.

Genome Diagnostics Laboratory, Amsterdam University Medical Center
Classification: Benign for Neuronal ceroid lipofuscinosis 13. Last evaluated: 2016-05-09. Review status: no assertion criteria provided. Criteria: ACGS Guidelines, 2013. Collection method: clinical testing. Allele origin: germline. Affected: yes. Study: VKGL Data-share Consensus. Not counted in ClinVar's aggregate classification.

Mayo Clinic Laboratories, Mayo Clinic
Classification: Likely benign. Last evaluated: 2015-12-16. Review status: no assertion criteria provided. Collection method: clinical testing. Allele origin: unknown. Not counted in ClinVar's aggregate classification.